The following is an entry in ClinVar:

ClinVar aggregate classification (germline): Uncertain significance (0 of 4 stars; one submission).

Conditions:
IRF6-related condition. Also called: IRF6-related disorder; IRF6-Related Disorders. Identifiers: MedGen CN378148, MONDO:1040010.

Submission:

PreventionGenetics, part of Exact Sciences
Classification: Uncertain significance for IRF6-related condition. Last evaluated: 2024-05-02. Review status: no assertion criteria provided. Collection method: clinical testing. Allele origin: germline.
Comment: The IRF6 c.67T>G variant is predicted to result in the amino acid substitution p.Tyr23Asp. To our knowledge, this variant has not been reported in the literature or in a large population database, indicating this variant is rare. At this time, the clinical significance of this variant is uncertain due to the absence of conclusive functional and genetic evidence.

NM_006147.4(IRF6):c.67T>G (p.Tyr23Asp)

Gene: IRF6 (interferon regulatory factor 6; minus strand). Cytogenetic location: 1q32.2.
Variant type: single nucleotide variant.
Coding change: c.67T>G on transcript NM_006147.4 (MANE Select); coding-DNA position 67, T replaced by G.
Protein change: p.Tyr23Asp; replaces tyrosine 23 with aspartic acid.
Molecular consequence: missense variant. On other transcripts: intron variant (1).
Genome position (GRCh38, 1-based): chr1:209,801,347, A>C on the plus strand (T>G on the coding strand, the complement: IRF6 is on the minus strand). VCF-style: chr1-209801347-A-C. GRCh37 (hg19) VCF-style: chr1-209974692-A-C.
Other names: c.-112+4600T>G (NM_001206696.2); short protein forms Y23D.
Identifiers: ClinVar variation 3344770 (VCV003344770.1).